The following is an entry in ClinVar:

ClinVar aggregate classification (germline): Likely benign. Review status: criteria provided, single submitter (1 of 4 stars). 2 submissions from 2 submitters: Likely benign (1). 1 of the submissions does not count toward it. Last evaluated 2024-07-30.

Conditions:
Charcot-Marie-Tooth disease type 2. Also called: Charcot-Marie-Tooth type 2. Identifiers: Orphanet 64746, MedGen C0270914, MONDO:0018993.
MED25-related disorder. Also called: MED25-related condition.

gnomAD v4.1: 6 of 1,604,766 alleles (0.00037%); highest among the groups gnomAD compares: Non-Finnish European, 0.00051%; no homozygotes.

Submissions (2):

Labcorp Genetics (formerly Invitae), Labcorp
Classification: Likely benign for Charcot-Marie-Tooth disease type 2. Last evaluated: 2024-07-30. Review status: criteria provided, single submitter. Criteria: Invitae Variant Classification Sherloc (09022015). Collection method: clinical testing. Allele origin: germline.

PreventionGenetics, part of Exact Sciences
Classification: Likely benign for MED25-related condition. Last evaluated: 2019-09-10. Review status: no assertion criteria provided. Collection method: clinical testing. Allele origin: germline. Not counted in ClinVar's aggregate classification.
Comment: This variant is classified as likely benign based on ACMG/AMP sequence variant interpretation guidelines (Richards et al. 2015 PMID: 25741868, with internal and published modifications).

NM_030973.4(MED25):c.750C>G (p.Ala250=)

Gene: MED25 (mediator complex subunit 25; plus strand). Cytogenetic location: 19q13.33.
Variant type: single nucleotide variant.
Coding change: c.750C>G on transcript NM_030973.4 (MANE Select); coding-DNA position 750, C replaced by G.
Protein change: p.Ala250=; no amino-acid change (alanine 250 retained).
Molecular consequence: synonymous variant.
Genome position (GRCh38, 1-based): chr19:49,830,149, C>G. VCF-style: chr19-49830149-C-G. GRCh37 (hg19) VCF-style: chr19-50333406-C-G.
Other names: c.750C>G (NM_030973.3); c.750C>G, p.Ala250= (NM_001378355.1).
Identifiers: ClinVar variation 1565691 (VCV001565691.10), dbSNP rs1397405011, ClinGen allele CA406914010.